The following is an entry in ClinVar:

NM_015662.3(IFT172):c.100T>G (p.Cys34Gly)

Gene: IFT172 (intraflagellar transport 172; minus strand). Cytogenetic location: 2p23.3.
Variant type: single nucleotide variant.
Coding change: c.100T>G on transcript NM_015662.3 (MANE Select); coding-DNA position 100, T replaced by G.
Protein change: p.Cys34Gly; replaces cysteine 34 with glycine.
Molecular consequence: missense variant.
Genome position (GRCh38, 1-based): chr2:27,485,443, A>C on the plus strand (T>G on the coding strand, the complement: IFT172 is on the minus strand). VCF-style: chr2-27485443-A-C. GRCh37 (hg19) VCF-style: chr2-27708310-A-C.
Other names: c.100T>G, p.Cys34Gly (NM_001410739.1); short protein forms C34G.
Identifiers: ClinVar variation 1950426 (VCV001950426.5), dbSNP rs2466038500, ClinGen allele CA346403508.

ClinVar aggregate classification (germline): Uncertain significance (1 of 4 stars; one submission).

Conditions:
Short-rib thoracic dysplasia 10 with or without polydactyly (SRTD10). Identifiers: Orphanet 474, MedGen C3810175, MONDO:0014284, OMIM 615630.
Retinitis pigmentosa 71 (RP71). Identifiers: Orphanet 791, MedGen C4225342, MONDO:0014618, OMIM 616394.

gnomAD v4.1: 7 of 1,614,174 alleles (0.00043%); highest among the groups gnomAD compares: Non-Finnish European, 0.00059%; no homozygotes.

Submission:

Labcorp Genetics (formerly Invitae), Labcorp
Classification: Uncertain significance for Retinitis pigmentosa 71; Short-rib thoracic dysplasia 10 with or without polydactyly. Last evaluated: 2024-01-24. Review status: criteria provided, single submitter. Criteria: Invitae Variant Classification Sherloc (09022015). Collection method: clinical testing. Allele origin: germline.
Comment: This sequence change replaces cysteine, which is neutral and slightly polar, with glycine, which is neutral and non-polar, at codon 34 of the IFT172 protein (p.Cys34Gly). This variant is not present in population databases (gnomAD no frequency). This variant has not been reported in the literature in individuals affected with IFT172-related conditions. ClinVar contains an entry for this variant (Variation ID: 1950426). Advanced modeling of protein sequence and biophysical properties (such as structural, functional, and spatial information, amino acid conservation, physicochemical variation, residue mobility, and thermodynamic stability) performed at Invitae indicates that this missense variant is not expected to disrupt IFT172 protein function with a negative predictive value of 80%. In summary, the available evidence is currently insufficient to determine the role of this variant in disease. Therefore, it has been classified as a Variant of Uncertain Significance.